The following is an entry in ClinVar:

ClinVar aggregate classification (germline): Likely pathogenic (1 of 4 stars; one submission).

Conditions:
Dilated cardiomyopathy 1G (CMD1G). Identifiers: Orphanet 154, MedGen C1858763, MONDO:0011400, OMIM 604145.

gnomAD v4.1: 2 of 1,613,828 alleles (0.00012%); highest among the groups gnomAD compares: Non-Finnish European, 0.00017%; no homozygotes.

Submission:

Human Genetics Bochum, Ruhr University Bochum
Classification: Likely pathogenic for Dilated cardiomyopathy 1G. Last evaluated: 2025-12-18. Review status: criteria provided, single submitter. Criteria: ACMG Guidelines, 2015. Collection method: clinical testing. Allele origin: germline. Affected: yes.
Comment: ACMG criteria used to clasify this variant: PVS1, PM2_SUP

NM_001267550.2(TTN):c.1105C>T (p.Gln369Ter)

Gene: TTN (titin; minus strand). Cytogenetic location: 2q31.2.
Variant type: single nucleotide variant.
Coding change: c.1105C>T on transcript NM_001267550.2 (MANE Select); coding-DNA position 1105, C replaced by T.
Protein change: p.Gln369Ter; replaces glutamine 369 with a stop codon.
Molecular consequence: nonsense.
Genome position (GRCh38, 1-based): chr2:178,795,062, G>A on the plus strand (C>T on the coding strand, the complement: TTN is on the minus strand). VCF-style: chr2-178795062-G-A. GRCh37 (hg19) VCF-style: chr2-179659789-G-A.
Other names: c.1105C>T, p.Gln369Ter (NM_001256850.1, NM_003319.4, NM_133378.4 and 3 more transcripts); short protein forms Q369*.
Identifiers: ClinVar variation 4687978 (VCV004687978.1), dbSNP rs1326270579.